The following is an entry in ClinVar:

NM_001130004.2(ACTN1):c.653T>C (p.Ile218Thr)

Gene: ACTN1 (actinin alpha 1; minus strand). Cytogenetic location: 14q24.1.
Variant type: single nucleotide variant.
Coding change: c.653T>C on transcript NM_001130004.2 (MANE Select); coding-DNA position 653, T replaced by C.
Protein change: p.Ile218Thr; replaces isoleucine 218 with threonine.
Molecular consequence: missense variant. On other transcripts: 5 prime UTR variant (1).
Genome position (GRCh38, 1-based): chr14:68,904,678, A>G on the plus strand (T>C on the coding strand, the complement: ACTN1 is on the minus strand). VCF-style: chr14-68904678-A-G. GRCh37 (hg19) VCF-style: chr14-69371395-A-G.
Other names: c.653T>C, p.Ile218Thr (NM_001102.4, NM_001130005.2, NM_001411035.1 and 9 more transcripts); c.458T>C, p.Ile153Thr (NM_001411036.1, NM_001424026.1, NM_001424028.1); c.779T>C, p.Ile260Thr (NM_001424013.1); c.740T>C, p.Ile247Thr (NM_001424015.1); c.650T>C, p.Ile217Thr (NM_001424017.1); c.590T>C, p.Ile197Thr (NM_001424018.1, NM_001424020.1, NM_001424022.1); c.584T>C, p.Ile195Thr (NM_001424021.1); c.-258T>C (NM_001424030.1); short protein forms I153T, I195T, I217T, I197T, I218T, I247T, I260T.
Identifiers: ClinVar variation 4742753 (VCV004742753.1).

ClinVar aggregate classification (germline): Uncertain significance (1 of 4 stars; one submission).

Submission:

Labcorp Genetics (formerly Invitae), Labcorp
Classification: Uncertain significance. Last evaluated: 2025-03-07. Review status: criteria provided, single submitter. Criteria: Invitae Variant Classification Sherloc (09022015). Collection method: clinical testing. Allele origin: germline.
Comment: This sequence change replaces isoleucine, which is neutral and non-polar, with threonine, which is neutral and polar, at codon 218 of the ACTN1 protein (p.Ile218Thr). This variant is not present in population databases (gnomAD no frequency). This variant has not been reported in the literature in individuals affected with ACTN1-related conditions. Invitae Evidence Modeling of protein sequence and biophysical properties (such as structural, functional, and spatial information, amino acid conservation, physicochemical variation, residue mobility, and thermodynamic stability) indicates that this missense variant is expected to disrupt ACTN1 protein function with a positive predictive value of 80%. In summary, the available evidence is currently insufficient to determine the role of this variant in disease. Therefore, it has been classified as a Variant of Uncertain Significance.